The following is an entry in ClinVar:

NM_000211.5(ITGB2):c.148-1089A>G

Gene: ITGB2 (integrin subunit beta 2; minus strand). Cytogenetic location: 21q22.3.
Variant type: single nucleotide variant.
Coding change: c.148-1089A>G on transcript NM_000211.5 (MANE Select); 1089 bases into the intron before coding-DNA position 148, A replaced by G.
Molecular consequence: intron variant.
Genome position (GRCh38, 1-based): chr21:44,908,184, T>C on the plus strand (A>G on the coding strand, the complement: ITGB2 is on the minus strand). VCF-style: chr21-44908184-T-C. GRCh37 (hg19) VCF-style: chr21-46328099-T-C.
Other names: c.148-1089A>G (NM_001127491.3); c.-60-1089A>G (NM_001303238.2).
Identifiers: ClinVar variation 803634 (VCV000803634.4), dbSNP rs760462, ClinGen allele CA10063360.

ClinVar aggregate classification (germline): Benign. Review status: criteria provided, multiple submitters, no conflicts (2 of 4 stars). 3 submissions from 3 submitters: Benign (3). Last evaluated 2024-01-24.

Conditions:
Leukocyte adhesion deficiency 1 (LAD1). Also called: LEUKOCYTE ADHESION DEFICIENCY, TYPE I; LAD 1; Lymphocyte function-associated antigen 1 immunodeficiency; LFA 1 immunodeficiency. Identifiers: Orphanet 2968, Orphanet 99842, MedGen C0398738, MONDO:0007293, OMIM 116920.

Allele frequency attached by ClinVar (database versions not stated): gnomAD exomes 0.84047; ExAC 0.86504; gnomAD 0.87257 and 0.87259; ESP Exome Variant Server 0.87496; TOPMed 0.87925; 1000 Genomes Project 0.89317; 1000 Genomes Project 30x 0.89756.
gnomAD v4.1: 609,334 of 719,108 alleles (85%); highest among the groups gnomAD compares: African/African-American, 97%; 259,384 homozygotes.

Submissions (3):

Unidad de Genómica Garrahan, Hospital de Pediatría Garrahan
Classification: Benign. Last evaluated: 2024-01-24. Review status: criteria provided, single submitter. Criteria: ACMG Guidelines, 2015. Collection method: clinical testing. Allele origin: germline. Affected: no. Observed: 94 variant alleles.
Comment: This variant is classified as Benign based on local population frequency. This variant was detected in 99% of patients studied by a panel of primary immunodeficiencies. Number of patients: 94. Only high quality variants are reported.

Mendelics
Classification: Benign for Leukocyte adhesion deficiency 1. Last evaluated: 2019-05-28. Review status: criteria provided, single submitter. Criteria: Mendelics Assertion Criteria 2017. Collection method: clinical testing. Allele origin: unknown.

Breakthrough Genomics
Classification: Benign. Review status: criteria provided, single submitter. Criteria: ACMG Guidelines, 2015. Collection method: not provided. Allele origin: germline. Inheritance: Autosomal recessive inheritance. Affected: yes.